The following is an entry in ClinVar:

NM_000391.4(TPP1):c.992C>G (p.Ser331Cys)

Gene: TPP1 (tripeptidyl peptidase 1; minus strand). Cytogenetic location: 11p15.4.
Variant type: single nucleotide variant.
Coding change: c.992C>G on transcript NM_000391.4 (MANE Select); coding-DNA position 992, C replaced by G.
Protein change: p.Ser331Cys; replaces serine 331 with cysteine.
Molecular consequence: missense variant.
Genome position (GRCh38, 1-based): chr11:6,616,398, G>C on the plus strand (C>G on the coding strand, the complement: TPP1 is on the minus strand). VCF-style: chr11-6616398-G-C. GRCh37 (hg19) VCF-style: chr11-6637629-G-C.
Other names: c.992C>G (NM_000391.3); short protein forms S331C.
Identifiers: ClinVar variation 1433624 (VCV001433624.6), dbSNP rs755386210, ClinGen allele CA379474230.
Genomic context (GRCh38, chr11:6,616,398, plus strand): 5'-CCCCGAGCGGCAGCCTTCATGAGCTCAGTGTTGACCCGCTGGATGTAGGCGCTGCTGAGG[G>C]AGTCCTCATCATCTCCATAGCTCACAGTATGCACATGTGGCAGGGCTGACTCATTACTGA-3'
Protein context (NP_000382.3, residues 321-341): HTVSYGDDED[Ser331Cys]LSSAYIQRVN

ClinVar aggregate classification (germline): Uncertain significance. Review status: criteria provided, multiple submitters, no conflicts (2 of 4 stars). 2 submissions from 2 submitters: Uncertain significance (2). Last evaluated 2025-11-19.

Conditions:
Inborn genetic diseases. Identifiers: MedGen C0950123, MeSH D030342.

Allele frequency attached by ClinVar (database versions not stated): gnomAD 0.00001.
gnomAD v4.1: 17 of 1,613,880 alleles (0.0011%); highest among the groups gnomAD compares: Non-Finnish European, 0.0014%; no homozygotes.

Submissions (2):

Ambry Genetics
Classification: Uncertain significance for Inborn genetic diseases. Last evaluated: 2025-11-19. Review status: criteria provided, single submitter. Criteria: Ambry Variant Classification Scheme 2023. Collection method: clinical testing. Allele origin: germline.
Comment: The c.992C>G (p.S331C) alteration is located in exon 8 (coding exon 8) of the TPP1 gene. This alteration results from a C to G substitution at nucleotide position 992, causing the serine (S) at amino acid position 331 to be replaced by a cysteine (C). Based on data from gnomAD, the G allele has an overall frequency of <0.001% (1/251402) total alleles studied. The highest observed frequency was 0.001% (1/113734) of European (non-Finnish) alleles. Based on insufficient or conflicting evidence, the clinical significance of this alteration remains unclear.

Labcorp Genetics (formerly Invitae), Labcorp
Classification: Uncertain significance. Last evaluated: 2022-05-06. Review status: criteria provided, single submitter. Criteria: Invitae Variant Classification Sherloc (09022015). Collection method: clinical testing. Allele origin: germline.
Comment: This sequence change replaces serine, which is neutral and polar, with cysteine, which is neutral and slightly polar, at codon 331 of the TPP1 protein (p.Ser331Cys). This variant is present in population databases (no rsID available, gnomAD 0.0009%). This variant has not been reported in the literature in individuals affected with TPP1-related conditions. Advanced modeling of protein sequence and biophysical properties (such as structural, functional, and spatial information, amino acid conservation, physicochemical variation, residue mobility, and thermodynamic stability) performed at Invitae indicates that this missense variant is expected to disrupt TPP1 protein function. In summary, the available evidence is currently insufficient to determine the role of this variant in disease. Therefore, it has been classified as a Variant of Uncertain Significance.